The following is an entry in ClinVar:

ClinVar aggregate classification (germline): Uncertain significance (1 of 4 stars; one submission).

Conditions:
Methylcobalamin deficiency type cblG (HMAG). Also called: Functional methionine synthase deficiency type cblG; HOMOCYSTINURIA-MEGALOBLASTIC ANEMIA, cblG COMPLEMENTATION TYPE; HOMOCYSTINURIA-MEGALOBLASTIC ANEMIA, cblG TYPE; HOMOCYSTINURIA-MEGALOBLASTIC ANEMIA DUE TO DEFECT IN COBALAMIN METABOLISM, cblG COMPLEMENTATION TYPE. Identifiers: Orphanet 2170, Orphanet 622, MedGen C1855128, MONDO:0009609, OMIM 250940.

Allele frequency attached by ClinVar (database versions not stated): gnomAD exomes 0.00001 and 0.00002; ExAC 0.00004; gnomAD 0.00013 and 0.00014; TOPMed 0.00015; 1000 Genomes Project 30x 0.00016; 1000 Genomes Project 0.00020; ESP Exome Variant Server 0.00023.
gnomAD v4.1: 40 of 1,614,224 alleles (0.0025%); highest among the groups gnomAD compares: African/African-American, 0.043%; no homozygotes.

Submission:

Labcorp Genetics (formerly Invitae), Labcorp
Classification: Uncertain significance for Methylcobalamin deficiency type cblG. Last evaluated: 2025-01-27. Review status: criteria provided, single submitter. Criteria: Invitae Variant Classification Sherloc (09022015). Collection method: clinical testing. Allele origin: germline.
Comment: This sequence change replaces serine, which is neutral and polar, with proline, which is neutral and non-polar, at codon 1073 of the MTR protein (p.Ser1073Pro). This variant is present in population databases (rs111465715, gnomAD 0.02%). This variant has not been reported in the literature in individuals affected with MTR-related conditions. ClinVar contains an entry for this variant (Variation ID: 1445987). Invitae Evidence Modeling of protein sequence and biophysical properties (such as structural, functional, and spatial information, amino acid conservation, physicochemical variation, residue mobility, and thermodynamic stability) indicates that this missense variant is not expected to disrupt MTR protein function with a negative predictive value of 95%. In summary, the available evidence is currently insufficient to determine the role of this variant in disease. Therefore, it has been classified as a Variant of Uncertain Significance.

NM_000254.3(MTR):c.3217T>C (p.Ser1073Pro)

Gene: MTR (5-methyltetrahydrofolate-homocysteine methyltransferase; plus strand). Cytogenetic location: 1q43.
Variant type: single nucleotide variant.
Coding change: c.3217T>C on transcript NM_000254.3 (MANE Select); coding-DNA position 3217, T replaced by C.
Protein change: p.Ser1073Pro; replaces serine 1073 with proline.
Molecular consequence: missense variant.
Genome position (GRCh38, 1-based): chr1:236,894,369, T>C. VCF-style: chr1-236894369-T-C. GRCh37 (hg19) VCF-style: chr1-237057669-T-C.
Other names: c.3064T>C, p.Ser1022Pro (NM_001291939.1); c.1996T>C, p.Ser666Pro (NM_001291940.2); short protein forms S666P, S1073P, S1022P.
Identifiers: ClinVar variation 1445987 (VCV001445987.4), dbSNP rs111465715, ClinGen allele CA1474647.